The following is an entry in ClinVar:

NM_004448.4(ERBB2):c.907T>C (p.Tyr303His)

Gene: ERBB2 (erb-b2 receptor tyrosine kinase 2; plus strand). Cytogenetic location: 17q12.
Variant type: single nucleotide variant.
Coding change: c.907T>C on transcript NM_004448.4 (MANE Select); coding-DNA position 907, T replaced by C.
Protein change: p.Tyr303His; replaces tyrosine 303 with histidine.
Molecular consequence: missense variant. On other transcripts: non-coding transcript variant (1).
Genome position (GRCh38, 1-based): chr17:39,711,933, T>C. VCF-style: chr17-39711933-T-C. GRCh37 (hg19) VCF-style: chr17-37868186-T-C.
Other names: c.817T>C, p.Tyr273His (NM_001005862.3, NM_001289938.2, NM_001382782.1 and 1 more transcripts); c.862T>C, p.Tyr288His (NM_001289936.2); c.907T>C, p.Tyr303His (NM_001289937.2, NM_001382784.1, NM_001382785.1 and 16 more transcripts); c.982T>C, p.Tyr328His (NM_001382787.1); c.898T>C, p.Tyr300His (NM_001382791.1); c.727T>C, p.Tyr243His (NM_001382799.1); c.649T>C, p.Tyr217His (NM_001382802.1); c.79T>C, p.Tyr27His (NM_001382804.1); short protein forms Y288H, Y243H, Y273H, Y27H, Y303H, Y328H, Y217H, Y300H.
Identifiers: ClinVar variation 939578 (VCV000939578.9), dbSNP rs2058823129, ClinGen allele CA399281753.

ClinVar aggregate classification (germline): Uncertain significance (1 of 4 stars; one submission).

Submission:

Labcorp Genetics (formerly Invitae), Labcorp
Classification: Uncertain significance. Last evaluated: 2024-04-10. Review status: criteria provided, single submitter. Criteria: Invitae Variant Classification Sherloc (09022015). Collection method: clinical testing. Allele origin: germline.
Comment: This sequence change replaces tyrosine, which is neutral and polar, with histidine, which is basic and polar, at codon 303 of the ERBB2 protein (p.Tyr303His). This variant is not present in population databases (gnomAD no frequency). This variant has not been reported in the literature in individuals affected with ERBB2-related conditions. ClinVar contains an entry for this variant (Variation ID: 939578). Advanced modeling of protein sequence and biophysical properties (such as structural, functional, and spatial information, amino acid conservation, physicochemical variation, residue mobility, and thermodynamic stability) performed at Invitae indicates that this missense variant is expected to disrupt ERBB2 protein function with a positive predictive value of 80%. In summary, the available evidence is currently insufficient to determine the role of this variant in disease. Therefore, it has been classified as a Variant of Uncertain Significance.